The following is an entry in ClinVar:

ClinVar aggregate classification (germline): Uncertain significance (1 of 4 stars; one submission).

Conditions:
Congenital myasthenic syndrome 13 (CMS13). Also called: Myasthenic syndrome, congenital, with tubular aggregates 2; Myasthenic syndrome, congenital, 13, with tubular aggregates. Identifiers: Orphanet 353327, Orphanet 590, MedGen C3553645, MONDO:0013883, OMIM 614750.
DPAGT1-congenital disorder of glycosylation. Also called: CDG Ij; CONGENITAL DISORDER OF GLYCOSYLATION, TYPE Ij; DPAGT1-CDG. Identifiers: Orphanet 86309, MedGen C2931004, MONDO:0011964, OMIM 608093.

Allele frequency attached by ClinVar (database versions not stated): TOPMed below 0.00001; gnomAD 0.00001; gnomAD exomes 0.00001 and 0.00002; ExAC 0.00002; ESP Exome Variant Server 0.00008.
gnomAD v4.1: 9 of 1,614,092 alleles (0.00056%); highest among the groups gnomAD compares: South Asian, 0.0066%; no homozygotes.

Submission:

Labcorp Genetics (formerly Invitae), Labcorp
Classification: Uncertain significance for Congenital myasthenic syndrome 13; DPAGT1-congenital disorder of glycosylation. Last evaluated: 2021-10-04. Review status: criteria provided, single submitter. Criteria: Invitae Variant Classification Sherloc (09022015). Collection method: clinical testing. Allele origin: germline.
Comment: This variant is present in population databases (rs376996734, ExAC 0.003%). This variant has not been reported in the literature in individuals affected with DPAGT1-related conditions. Algorithms developed to predict the effect of missense changes on protein structure and function are either unavailable or do not agree on the potential impact of this missense change (SIFT: "Deleterious"; PolyPhen-2: "Benign"; Align-GVGD: "Class C0"). In summary, the available evidence is currently insufficient to determine the role of this variant in disease. Therefore, it has been classified as a Variant of Uncertain Significance. This sequence change replaces leucine with phenylalanine at codon 340 of the DPAGT1 protein (p.Leu340Phe). The leucine residue is highly conserved and there is a small physicochemical difference between leucine and phenylalanine.

NM_001382.4(DPAGT1):c.1018C>T (p.Leu340Phe)

Gene: DPAGT1 (dolichyl-phosphate N-acetylglucosaminephosphotransferase 1; minus strand). Cytogenetic location: 11q23.3.
Variant type: single nucleotide variant.
Coding change: c.1018C>T on transcript NM_001382.4 (MANE Select); coding-DNA position 1018, C replaced by T.
Protein change: p.Leu340Phe; replaces leucine 340 with phenylalanine.
Molecular consequence: missense variant.
Genome position (GRCh38, 1-based): chr11:119,097,285, G>A on the plus strand (C>T on the coding strand, the complement: DPAGT1 is on the minus strand). VCF-style: chr11-119097285-G-A. GRCh37 (hg19) VCF-style: chr11-118967995-G-A.
Other names: short protein forms L340F.
Identifiers: ClinVar variation 1524806 (VCV001524806.6), dbSNP rs376996734, ClinGen allele CA6314464.
Genomic context (GRCh38, chr11:119,097,285, plus strand): 5'-TGTTACATTCAGTGAATTCACCATCTTCAGTCTCACTCTGGTGTACTGTCACCAGCTGGA[G>A]GCTCTCTGCCACCTGGAGGGACCAGAGGTGAAGAGAACCTCAGCTAATACCTATGCTTTA-3'
Protein context (NP_001373.2, residues 330-350): GTFILKVAES[Leu340Phe]QLVTVHQSET